The following is an entry in ClinVar:

ClinVar aggregate classification (germline): Uncertain significance. Review status: criteria provided, multiple submitters, no conflicts (2 of 4 stars). 2 submissions from 2 submitters: Uncertain significance (2). Last evaluated 2024-10-12.

Conditions:
Ataxia-telangiectasia syndrome (AT). Also called: Ataxia-telangiectasia, complementation group E; Cerebello-oculocutaneous telangiectasia; Immunodeficiency with ataxia telangiectasia; Ataxia-telangiectasia, complementation group D; AT, COMPLEMENTATION GROUP C; Ataxia-telangiectasia. Identifiers: Orphanet 100, MedGen C0004135, MONDO:0008840, OMIM 208900.
Hereditary cancer-predisposing syndrome. Also called: Neoplastic Syndromes, Hereditary; Hereditary Cancer Syndrome; Hereditary neoplastic syndrome; Tumor predisposition. Identifiers: Orphanet 140162, MedGen C0027672, MeSH D009386, MONDO:0015356.

Submissions (2):

Ambry Genetics
Classification: Uncertain significance for Hereditary cancer-predisposing syndrome. Last evaluated: 2024-10-12. Review status: criteria provided, single submitter. Criteria: Ambry Variant Classification Scheme 2023. Collection method: clinical testing. Allele origin: germline.
Comment: The p.G228D variant (also known as c.683G>A), located in coding exon 6 of the ATM gene, results from a G to A substitution at nucleotide position 683. The glycine at codon 228 is replaced by aspartic acid, an amino acid with similar properties. This amino acid position is conserved. In addition, this alteration is predicted to be tolerated by in silico analysis. Based on the available evidence, the clinical significance of this variant remains unclear.

Labcorp Genetics (formerly Invitae), Labcorp
Classification: Uncertain significance for Ataxia-telangiectasia syndrome. Last evaluated: 2023-05-22. Review status: criteria provided, single submitter. Criteria: Invitae Variant Classification Sherloc (09022015). Collection method: clinical testing. Allele origin: germline.
Comment: This variant has not been reported in the literature in individuals affected with ATM-related conditions. In summary, the available evidence is currently insufficient to determine the role of this variant in disease. Therefore, it has been classified as a Variant of Uncertain Significance. An algorithm developed to predict the effect of missense changes on protein structure and function (PolyPhen-2) suggests that this variant is likely to be tolerated. ClinVar contains an entry for this variant (Variation ID: 850083). This variant is not present in population databases (gnomAD no frequency). This sequence change replaces glycine, which is neutral and non-polar, with aspartic acid, which is acidic and polar, at codon 228 of the ATM protein (p.Gly228Asp).

NM_000051.4(ATM):c.683G>A (p.Gly228Asp)

Gene: ATM (ATM serine/threonine kinase; plus strand). Cytogenetic location: 11q22.3.
Variant type: single nucleotide variant.
Coding change: c.683G>A on transcript NM_000051.4 (MANE Select); coding-DNA position 683, G replaced by A.
Protein change: p.Gly228Asp; replaces glycine 228 with aspartic acid.
Molecular consequence: missense variant.
Genome position (GRCh38, 1-based): chr11:108,244,808, G>A. VCF-style: chr11-108244808-G-A. GRCh37 (hg19) VCF-style: chr11-108115535-G-A.
Other names: c.683G>A, p.Gly228Asp (NM_001351834.2); short protein forms G228D.
Identifiers: ClinVar variation 850083 (VCV000850083.10), dbSNP rs2079754821, ClinGen allele CA382529038.